The following is an entry in ClinVar:

ClinVar aggregate classification (germline): Pathogenic (1 of 4 stars; one submission).

Submission:

Quest Diagnostics Nichols Institute San Juan Capistrano
Classification: Pathogenic. Last evaluated: 2021-07-10. Review status: criteria provided, single submitter. Criteria: Quest Diagnostics criteria. Collection method: clinical testing. Allele origin: unknown.
Comment: The variant results in the deletion of at least one complete exon, and is therefore predicted to result in the loss of a functional protein. A similar deletion of exons 5-9 in the PMS2 gene has been reported in an individual whose colon tumor showed an isolated loss of PMS2 by immunohistochemistry (PMID: 20205264 (2010)). Based on the available information, this variant is classified as pathogenic.

Literature cited by the submitters: PubMed 20205264.

NM_000535.6:c.354_988del

Gene: PMS2 (PMS1 homolog 2, mismatch repair system component; minus strand).
Variant type: Deletion.
Identifiers: ClinVar variation 1809535 (VCV001809535.1).